The following is an entry in ClinVar:

ClinVar aggregate classification (germline): Uncertain significance (1 of 4 stars; one submission).

Conditions:
Neuronopathy, distal hereditary motor, autosomal recessive 5. Also called: Spinal muscular atrophy, distal, autosomal recessive, 5; Young adult-onset distal hereditary motor neuropathy; NEUROPATHY, DISTAL HEREDITARY MOTOR, AUTOSOMAL RECESSIVE 5. Identifiers: Orphanet 314485, Orphanet 443950, MedGen C4749918, MONDO:0013947, OMIM 614881.

Allele frequency attached by ClinVar (database versions not stated): TOPMed 0.00002; gnomAD exomes 0.00001; gnomAD 0.00003 and 0.00004; ExAC 0.00002.
gnomAD v4.1: 39 of 1,613,964 alleles (0.0024%); highest among the groups gnomAD compares: African/African-American, 0.0053%; no homozygotes.

Submission:

Labcorp Genetics (formerly Invitae), Labcorp
Classification: Uncertain significance for Neuronopathy, distal hereditary motor, autosomal recessive 5. Last evaluated: 2024-07-16. Review status: criteria provided, single submitter. Criteria: Invitae Variant Classification Sherloc (09022015). Collection method: clinical testing. Allele origin: germline.
Comment: This sequence change replaces arginine, which is basic and polar, with glutamine, which is neutral and polar, at codon 70 of the DNAJB2 protein (p.Arg70Gln). This variant is present in population databases (rs766183158, gnomAD 0.005%). This variant has not been reported in the literature in individuals affected with DNAJB2-related conditions. ClinVar contains an entry for this variant (Variation ID: 1058196). Advanced modeling of protein sequence and biophysical properties (such as structural, functional, and spatial information, amino acid conservation, physicochemical variation, residue mobility, and thermodynamic stability) performed at Invitae indicates that this missense variant is not expected to disrupt DNAJB2 protein function with a negative predictive value of 80%. In summary, the available evidence is currently insufficient to determine the role of this variant in disease. Therefore, it has been classified as a Variant of Uncertain Significance.

NM_006736.6(DNAJB2):c.209G>A (p.Arg70Gln)

Gene: DNAJB2 (DnaJ heat shock protein family (Hsp40) member B2; plus strand). Cytogenetic location: 2q35.
Variant type: single nucleotide variant.
Coding change: c.209G>A on transcript NM_006736.6 (MANE Select); coding-DNA position 209, G replaced by A.
Protein change: p.Arg70Gln; replaces arginine 70 with glutamine.
Molecular consequence: missense variant.
Genome position (GRCh38, 1-based): chr2:219,281,751, G>A. VCF-style: chr2-219281751-G-A. GRCh37 (hg19) VCF-style: chr2-220146473-G-A.
Other names: c.209G>A, p.Arg70Gln (NM_001039550.2); short protein forms R70Q.
Identifiers: ClinVar variation 1058196 (VCV001058196.8), dbSNP rs766183158, ClinGen allele CA2122866.